The following is an entry in ClinVar:

NM_033026.6(PCLO):c.7237C>A (p.Pro2413Thr)

Gene: PCLO (piccolo presynaptic cytomatrix protein; minus strand). Cytogenetic location: 7q21.11.
Variant type: single nucleotide variant.
Coding change: c.7237C>A on transcript NM_033026.6 (MANE Select); coding-DNA position 7237, C replaced by A.
Protein change: p.Pro2413Thr; replaces proline 2413 with threonine.
Molecular consequence: missense variant.
Genome position (GRCh38, 1-based): chr7:82,953,716, G>T on the plus strand (C>A on the coding strand, the complement: PCLO is on the minus strand). VCF-style: chr7-82953716-G-T. GRCh37 (hg19) VCF-style: chr7-82583032-G-T.
Other names: c.7237C>A, p.Pro2413Thr (NM_014510.3); short protein forms P2413T.
Identifiers: ClinVar variation 1355279 (VCV001355279.6), dbSNP rs1310852371, ClinGen allele CA367917407.

ClinVar aggregate classification (germline): Uncertain significance (1 of 4 stars; one submission).

Submission:

Labcorp Genetics (formerly Invitae), Labcorp
Classification: Uncertain significance. Last evaluated: 2024-09-30. Review status: criteria provided, single submitter. Criteria: Invitae Variant Classification Sherloc (09022015). Collection method: clinical testing. Allele origin: germline.
Comment: This sequence change replaces proline, which is neutral and non-polar, with threonine, which is neutral and polar, at codon 2413 of the PCLO protein (p.Pro2413Thr). This variant is not present in population databases (gnomAD no frequency). This variant has not been reported in the literature in individuals affected with PCLO-related conditions. ClinVar contains an entry for this variant (Variation ID: 1355279). Experimental studies and prediction algorithms are not available or were not evaluated, and the functional significance of this variant is currently unknown. In summary, the available evidence is currently insufficient to determine the role of this variant in disease. Therefore, it has been classified as a Variant of Uncertain Significance.